The following is an entry in ClinVar:

ClinVar aggregate classification (germline): Uncertain significance (1 of 4 stars; one submission).

Allele frequency attached by ClinVar (database versions not stated): gnomAD exomes 0.00001; gnomAD 0.00007; TOPMed 0.00008.
gnomAD v4.1: 17 of 1,300,938 alleles (0.0013%); highest among the groups gnomAD compares: African/African-American, 0.023%; no homozygotes.

Submission:

Labcorp Genetics (formerly Invitae), Labcorp
Classification: Uncertain significance. Last evaluated: 2024-02-24. Review status: criteria provided, single submitter. Criteria: Invitae Variant Classification Sherloc (09022015). Collection method: clinical testing. Allele origin: germline.
Comment: This sequence change replaces glycine, which is neutral and non-polar, with arginine, which is basic and polar, at codon 855 of the ERCC6L2 protein (p.Gly855Arg). This variant is present in population databases (no rsID available, gnomAD 0.02%). This variant has not been reported in the literature in individuals affected with ERCC6L2-related conditions. ClinVar contains an entry for this variant (Variation ID: 1952163). Experimental studies and prediction algorithms are not available or were not evaluated, and the functional significance of this variant is currently unknown. In summary, the available evidence is currently insufficient to determine the role of this variant in disease. Therefore, it has been classified as a Variant of Uncertain Significance.

NM_020207.7(ERCC6L2):c.2530G>C (p.Gly844Arg)

Gene: ERCC6L2 (ERCC excision repair 6 like 2; plus strand). Cytogenetic location: 9q22.32.
Variant type: single nucleotide variant.
Coding change: c.2530G>C on transcript NM_020207.7 (MANE Select); coding-DNA position 2530, G replaced by C.
Protein change: p.Gly844Arg; replaces glycine 844 with arginine.
Molecular consequence: missense variant. On other transcripts: non-coding transcript variant (1).
Genome position (GRCh38, 1-based): chr9:95,972,281, G>C. VCF-style: chr9-95972281-G-C. GRCh37 (hg19) VCF-style: chr9-98734563-G-C.
Other names: c.2530G>C, p.Gly844Arg (NM_001375291.1, NM_001375292.1, NM_001375293.1 and 1 more transcripts); short protein forms G844R.
Identifiers: ClinVar variation 1952163 (VCV001952163.3), dbSNP rs979440648, ClinGen allele CA196597425.